The following is an entry in ClinVar:

ClinVar aggregate classification (germline): Uncertain significance (1 of 4 stars; one submission).

gnomAD v4.1: 3 of 1,614,222 alleles (0.00019%); highest among the groups gnomAD compares: Non-Finnish European, 0.00025%; no homozygotes.

Submission:

Labcorp Genetics (formerly Invitae), Labcorp
Classification: Uncertain significance. Last evaluated: 2025-04-30. Review status: criteria provided, single submitter. Criteria: Invitae Variant Classification Sherloc (09022015). Collection method: clinical testing. Allele origin: germline.
Comment: This sequence change replaces cysteine, which is neutral and slightly polar, with serine, which is neutral and polar, at codon 1188 of the TCF20 protein (p.Cys1188Ser). This variant is not present in population databases (gnomAD no frequency). This variant has not been reported in the literature in individuals affected with TCF20-related conditions. An algorithm developed to predict the effect of missense changes on protein structure and function (PolyPhen-2) suggests that this variant is likely to be tolerated. In summary, the available evidence is currently insufficient to determine the role of this variant in disease. Therefore, it has been classified as a Variant of Uncertain Significance.

NM_001378418.1(TCF20):c.3563G>C (p.Cys1188Ser)

Gene: TCF20 (transcription factor 20; minus strand). Cytogenetic location: 22q13.2.
Variant type: single nucleotide variant.
Coding change: c.3563G>C on transcript NM_001378418.1 (MANE Select); coding-DNA position 3563, G replaced by C.
Protein change: p.Cys1188Ser; replaces cysteine 1188 with serine.
Molecular consequence: missense variant.
Genome position (GRCh38, 1-based): chr22:42,211,743, C>G on the plus strand (G>C on the coding strand, the complement: TCF20 is on the minus strand). VCF-style: chr22-42211743-C-G. GRCh37 (hg19) VCF-style: chr22-42607749-C-G.
Other names: c.3563G>C, p.Cys1188Ser (NM_005650.4, NM_181492.3); short protein forms C1188S.
Identifiers: ClinVar variation 4695332 (VCV004695332.1).
Genomic context (GRCh38, chr22:42,211,743, plus strand): 5'-CTGGACATTCCTGGAGGACCGCTGCTTTTGGCTGGAGAAGTTTGCCGAGAAAGATCCCAA[C>G]AGGATTCTTGTAACTTCTGGGAGCCATGCTTTAATTCCATGCCCTTGTTAGGCAGACCAT-3'
Protein context (NP_001365347.1, residues 1178-1198): KHGSQKLQES[Cys1188Ser]WDLSRQTSPA